The following is an entry in ClinVar:

NM_001558.4(IL10RA):c.1495C>T (p.Gln499Ter)

Gene: IL10RA (interleukin 10 receptor subunit alpha; plus strand). Cytogenetic location: 11q23.3.
Variant type: single nucleotide variant.
Coding change: c.1495C>T on transcript NM_001558.4 (MANE Select); coding-DNA position 1495, C replaced by T.
Protein change: p.Gln499Ter; replaces glutamine 499 with a stop codon.
Molecular consequence: nonsense. On other transcripts: non-coding transcript variant (1).
Genome position (GRCh38, 1-based): chr11:117,999,399, C>T. VCF-style: chr11-117999399-C-T. GRCh37 (hg19) VCF-style: chr11-117870114-C-T.
Other names: short protein forms Q499*.
Identifiers: ClinVar variation 1484994 (VCV001484994.6), dbSNP rs2058078603, ClinGen allele CA382781481.
Genomic context (GRCh38, chr11:117,999,399, plus strand): 5'-AGATGCCTGGTTGATGAGGCAGGCTTGCATCCACCAGCCCTGGCCAAGGGCTATTTGAAA[C>T]AGGATCCTCTAGAAATGACTCTGGCTTCCTCAGGGGCCCCAACGGGACAGTGGAACCAGC-3'

ClinVar aggregate classification (germline): Uncertain significance (1 of 4 stars; one submission).

Conditions:
Inflammatory bowel disease 28. Also called: Inflammatory bowel disease 28, early onset, autosomal recessive. Identifiers: Orphanet 238569, MedGen C2751053, MONDO:0013153, OMIM 613148.

Submission:

Labcorp Genetics (formerly Invitae), Labcorp
Classification: Uncertain significance for Inflammatory bowel disease 28. Last evaluated: 2022-07-25. Review status: criteria provided, single submitter. Criteria: Invitae Variant Classification Sherloc (09022015). Collection method: clinical testing. Allele origin: germline.
Comment: This sequence change creates a premature translational stop signal (p.Gln499*) in the IL10RA gene. While this is not anticipated to result in nonsense mediated decay, it is expected to disrupt the last 80 amino acid(s) of the IL10RA protein. In summary, the available evidence is currently insufficient to determine the role of this variant in disease. Therefore, it has been classified as a Variant of Uncertain Significance. Experimental studies and prediction algorithms are not available or were not evaluated, and the functional significance of this variant is currently unknown. ClinVar contains an entry for this variant (Variation ID: 1484994). This variant has not been reported in the literature in individuals affected with IL10RA-related conditions. This variant is not present in population databases (gnomAD no frequency).